The following is an entry in ClinVar:

ClinVar aggregate classification (germline): Uncertain significance. Review status: criteria provided, multiple submitters, no conflicts (2 of 4 stars). 2 submissions from 2 submitters: Uncertain significance (2). Last evaluated 2025-01-19.

Conditions:
Inborn genetic diseases. Identifiers: MedGen C0950123, MeSH D030342.

Allele frequency attached by ClinVar (database versions not stated): ExAC 0.00001.
gnomAD v4.1: 2 of 1,614,104 alleles (0.00012%); highest among the groups gnomAD compares: Admixed American, 0.0033%; no homozygotes.

Submissions (2):

Ambry Genetics
Classification: Uncertain significance for Inborn genetic diseases. Last evaluated: 2025-01-19. Review status: criteria provided, single submitter. Criteria: Ambry Variant Classification Scheme 2023. Collection method: clinical testing. Allele origin: germline.

Labcorp Genetics (formerly Invitae), Labcorp
Classification: Uncertain significance. Last evaluated: 2024-02-23. Review status: criteria provided, single submitter. Criteria: Invitae Variant Classification Sherloc (09022015). Collection method: clinical testing. Allele origin: germline.
Comment: This sequence change replaces glutamic acid, which is acidic and polar, with aspartic acid, which is acidic and polar, at codon 2664 of the ANK3 protein (p.Glu2664Asp). This variant is present in population databases (rs747531821, gnomAD 0.006%). This variant has not been reported in the literature in individuals affected with ANK3-related conditions. ClinVar contains an entry for this variant (Variation ID: 1961272). Advanced modeling of protein sequence and biophysical properties (such as structural, functional, and spatial information, amino acid conservation, physicochemical variation, residue mobility, and thermodynamic stability) performed at Invitae indicates that this missense variant is not expected to disrupt ANK3 protein function with a negative predictive value of 80%. In summary, the available evidence is currently insufficient to determine the role of this variant in disease. Therefore, it has been classified as a Variant of Uncertain Significance.

NM_020987.5(ANK3):c.7992G>T (p.Glu2664Asp)

Gene: ANK3 (ankyrin 3; minus strand). Cytogenetic location: 10q21.2.
Variant type: single nucleotide variant.
Coding change: c.7992G>T on transcript NM_020987.5 (MANE Select); coding-DNA position 7992, G replaced by T.
Protein change: p.Glu2664Asp; replaces glutamic acid 2664 with aspartic acid.
Molecular consequence: missense variant. On other transcripts: intron variant (4).
Genome position (GRCh38, 1-based): chr10:60,072,889, C>A on the plus strand (G>T on the coding strand, the complement: ANK3 is on the minus strand). VCF-style: chr10-60072889-C-A. GRCh37 (hg19) VCF-style: chr10-61832647-C-A.
Other names: c.7992G>T (NM_020987.3); c.4388-4880G>T (NM_001204403.2); c.4409-4880G>T (NM_001204404.2); c.4406-4880G>T (NM_001320874.2); c.1808-4880G>T (NM_001149.4); short protein forms E2664D.
Identifiers: ClinVar variation 1961272 (VCV001961272.6), dbSNP rs747531821, ClinGen allele CA5511630.
Genomic context (GRCh38, chr10:60,072,889, plus strand): 5'-GTCCTCAGTCTGTTGGGAGAGAACCATCTTCTCTGGGCTGCTGGGCAGACTGGGTGCCTT[C>A]TCCTCGGCCTTGGGGAAGCCTTGTCCATCAGGGCCATGCTGTCTTGCCTTAACCCACTCA-3'
Protein context (NP_066267.2, residues 2654-2674): PDGQGFPKAE[Glu2664Asp]KAPSLPSSPE